The following is an entry in ClinVar:

ClinVar aggregate classification (germline): Pathogenic (1 of 4 stars; one submission).

Conditions:
Hereditary cancer-predisposing syndrome. Also called: Neoplastic Syndromes, Hereditary; Tumor predisposition; Hereditary Cancer Syndrome; Hereditary neoplastic syndrome. Identifiers: Orphanet 140162, MedGen C0027672, MeSH D009386, MONDO:0015356.

Submission:

Ambry Genetics
Classification: Pathogenic for Hereditary cancer-predisposing syndrome. Last evaluated: 2026-03-05. Review status: criteria provided, single submitter. Criteria: Ambry Variant Classification Scheme 2023. Collection method: clinical testing. Allele origin: germline.
Comment: The c.1547delT pathogenic mutation, located in coding exon 9 of the ATM gene, results from a deletion of one nucleotide at nucleotide position 1547, causing a translational frameshift with a predicted alternate stop codon (p.L516*). This variant is considered to be rare based on population cohorts in the Genome Aggregation Database (gnomAD). This alteration is expected to result in loss of function by premature protein truncation or nonsense-mediated mRNA decay. As such, this alteration is interpreted as a disease-causing mutation.

NM_000051.4(ATM):c.1547del (p.Ser515_Leu516insTer)

Gene: ATM (ATM serine/threonine kinase; plus strand). Cytogenetic location: 11q22.3.
Variant type: Deletion.
Coding change: c.1547del on transcript NM_000051.4 (MANE Select); coding-DNA position 1547, one base deleted (T; older notation c.1547delT).
Protein change: p.Ser515_Leu516insTer.
Molecular consequence: nonsense.
Genome position (GRCh38, 1-based): chr11:108,251,012, T deleted; the last of 3 consecutive T bases (chr11:108,251,010-108,251,012); deleting any one gives the same sequence. VCF-style (leftmost placement, unchanged base first): chr11-108251009-GT-G. GRCh37 (hg19) VCF-style: chr11-108121736-GT-G.
Other names: c.1547del, p.Ser515_Leu516insTer (NM_001351834.2); c.1547delT (NM_000051.3).
Identifiers: ClinVar variation 4827589 (VCV004827589.1).